The following is an entry in ClinVar:

ClinVar aggregate classification (germline): Uncertain significance. Review status: criteria provided, multiple submitters, no conflicts (2 of 4 stars). 3 submissions from 3 submitters: Uncertain significance (3). Last evaluated 2026-06-15.

Conditions:
Cardiovascular phenotype. Identifiers: MedGen CN230736.

Allele frequency attached by ClinVar (database versions not stated): TOPMed below 0.00001; gnomAD exomes 0.00001.
gnomAD v4.1: 13 of 1,550,350 alleles (0.00084%); highest among the groups gnomAD compares: Non-Finnish European, 0.001%; no homozygotes.

Submissions (3):

Women's Health and Genetics/Laboratory Corporation of America, LabCorp
Classification: Uncertain significance. Last evaluated: 2026-06-15. Review status: criteria provided, single submitter. Criteria: LabCorp Variant Classification Summary - May 2015. Collection method: clinical testing. Allele origin: germline.
Comment: Variant summary: ZNF469 c.2596G>A (p.Asp866Asn) results in a conservative amino acid change in the encoded protein sequence. Algorithms developed to predict the effect of missense changes on protein structure and function are either unavailable or do not agree on the potential impact of this missense change. The variant allele was found at a frequency of 1.3e-05 in 150672 control chromosomes. The available data on variant occurrences in the general population are insufficient to allow any conclusion about variant significance. To our knowledge, no occurrence of c.2596G>A in individuals affected with ZNF469-related conditions and no experimental evidence demonstrating its impact on protein function have been reported. ClinVar contains an entry for this variant (Variation ID: 1314334). Based on the evidence outlined above, the variant was classified as uncertain significance.

Ambry Genetics
Classification: Uncertain significance for Cardiovascular phenotype. Last evaluated: 2022-07-06. Review status: criteria provided, single submitter. Criteria: Ambry Variant Classification Scheme 2023. Collection method: clinical testing. Allele origin: germline.
Comment: The p.D866N variant (also known as c.2596G>A), located in coding exon 1 of the ZNF469 gene, results from a G to A substitution at nucleotide position 2596. The aspartic acid at codon 866 is replaced by asparagine, an amino acid with highly similar properties. This amino acid position is conserved. In addition, this alteration is predicted to be tolerated by in silico analysis. Since supporting evidence is limited at this time, the clinical significance of this alteration remains unclear.

GeneDx
Classification: Uncertain significance. Last evaluated: 2020-01-23. Review status: criteria provided, single submitter. Criteria: GeneDx Variant Classification Process June 2021. Collection method: clinical testing. Allele origin: germline. Affected: yes.
Comment: Not observed at a significant frequency in large population cohorts (Lek et al., 2016); In silico analysis, which includes protein predictors and evolutionary conservation, supports that this variant does not alter protein structure/function; Has not been previously published as pathogenic or benign to our knowledge

NM_001367624.2(ZNF469):c.2596G>A (p.Asp866Asn)

Gene: ZNF469 (zinc finger protein 469; plus strand). Cytogenetic location: 16q24.2.
Variant type: single nucleotide variant.
Coding change: c.2596G>A on transcript NM_001367624.2 (MANE Select); coding-DNA position 2596, G replaced by A.
Protein change: p.Asp866Asn; replaces aspartic acid 866 with asparagine.
Molecular consequence: missense variant.
Genome position (GRCh38, 1-based): chr16:88,430,066, G>A. VCF-style: chr16-88430066-G-A. GRCh37 (hg19) VCF-style: chr16-88496474-G-A.
Other names: NM_001127464.1:c.2596G>A; short protein forms D866N.
Identifiers: ClinVar variation 1314334 (VCV001314334.6), dbSNP rs1242041437, ClinGen allele CA397073745.